The following is an entry in ClinVar:

ClinVar aggregate classification (germline): Uncertain significance. Review status: criteria provided, multiple submitters, no conflicts (2 of 4 stars). 2 submissions from 2 submitters: Uncertain significance (2). Last evaluated 2026-01-16.

Conditions:
Cardiovascular phenotype. Identifiers: MedGen CN230736.
Hereditary cancer-predisposing syndrome. Also called: Hereditary Cancer Syndrome; Hereditary neoplastic syndrome; Neoplastic Syndromes, Hereditary; Tumor predisposition. Identifiers: Orphanet 140162, MedGen C0027672, MeSH D009386, MONDO:0015356.
Neurofibromatosis, type 1 (NF1). Also called: Peripheral type neurofibromatosis; VON RECKLINGHAUSEN DISEASE; Neurofibromatosis, type I; NEUROFIBROMATOSIS, TYPE I, SOMATIC. Identifiers: Orphanet 636, MedGen C0027831, MONDO:0018975, OMIM 162200. Disease mechanism: loss of function.

Submissions (2):

Labcorp Genetics (formerly Invitae), Labcorp
Classification: Uncertain significance for Neurofibromatosis, type 1. Last evaluated: 2026-01-16. Review status: criteria provided, single submitter. Criteria: Invitae Variant Classification Sherloc (09022015). Collection method: clinical testing. Allele origin: germline.
Comment: This sequence change replaces proline, which is neutral and non-polar, with leucine, which is neutral and non-polar, at codon 795 of the NF1 protein (p.Pro795Leu). This variant is not present in population databases (gnomAD no frequency). This variant has not been reported in the literature in individuals affected with NF1-related conditions. ClinVar contains an entry for this variant (Variation ID: 2696869). Invitae Evidence Modeling of protein sequence and biophysical properties (such as structural, functional, and spatial information, amino acid conservation, physicochemical variation, residue mobility, and thermodynamic stability) indicates that this missense variant is expected to disrupt NF1 protein function with a positive predictive value of 95%. In summary, the available evidence is currently insufficient to determine the role of this variant in disease. Therefore, it has been classified as a Variant of Uncertain Significance.

Ambry Genetics
Classification: Uncertain significance for Cardiovascular phenotype; Hereditary cancer-predisposing syndrome. Last evaluated: 2024-10-15. Review status: criteria provided, single submitter. Criteria: Ambry Variant Classification Scheme 2023. Collection method: clinical testing. Allele origin: germline.
Comment: The p.P795L variant (also known as c.2384C>T), located in coding exon 20 of the NF1 gene, results from a C to T substitution at nucleotide position 2384. The proline at codon 795 is replaced by leucine, an amino acid with similar properties. This amino acid position is highly conserved in available vertebrate species. In addition, the in silico prediction for this alteration is inconclusive. Based on the available evidence, the clinical significance of this variant remains unclear.

NM_001042492.3(NF1):c.2384C>T (p.Pro795Leu)

Gene: NF1 (neurofibromin 1; plus strand). Cytogenetic location: 17q11.2.
Variant type: single nucleotide variant.
Coding change: c.2384C>T on transcript NM_001042492.3 (MANE Select); coding-DNA position 2384, C replaced by T.
Protein change: p.Pro795Leu; replaces proline 795 with leucine.
Molecular consequence: missense variant.
Genome position (GRCh38, 1-based): chr17:31,227,581, C>T. VCF-style: chr17-31227581-C-T. GRCh37 (hg19) VCF-style: chr17-29554599-C-T.
Other names: c.2384C>T, p.Pro795Leu (NM_000267.4); short protein forms P795L.
Identifiers: ClinVar variation 2696869 (VCV002696869.4), dbSNP rs2508171520, ClinGen allele CA398983236.